The following is an entry in ClinVar:

NM_015443.4(KANSL1):c.868C>T (p.Arg290Ter)

Gene: KANSL1 (KAT8 regulatory NSL complex subunit 1). Cytogenetic location: 17q21.31.
Variant type: single nucleotide variant.
Coding change: c.868C>T on transcript NM_015443.4 (MANE Select); coding-DNA position 868, C replaced by T.
Protein change: p.Arg290Ter; replaces arginine 290 with a stop codon.
Molecular consequence: nonsense.
Genome position (GRCh38, 1-based): chr17:46,171,276, G>A on the plus strand (C>T on the coding strand, the complement: KANSL1 is on the minus strand). VCF-style: chr17-46171276-G-A. GRCh37 (hg19) VCF-style: chr17-44248642-G-A.
Other names: c.868C>T, p.Arg290Ter (NM_001193465.2, NM_001193466.2, NM_001379198.1); short protein forms R290*.
Identifiers: ClinVar variation 421289 (VCV000421289.34), dbSNP rs149830411, ClinGen allele CA8618938.

ClinVar aggregate classification (germline): Pathogenic/Likely pathogenic. Review status: criteria provided, multiple submitters, no conflicts (2 of 4 stars). 9 submissions from 9 submitters: Pathogenic (6); Likely pathogenic (2). 1 of the submissions does not count toward it. Last evaluated 2026-06-22.

Conditions:
Inborn genetic diseases. Identifiers: MedGen C0950123, MeSH D030342.
Congenital myopathy. Identifiers: Orphanet 97245, MedGen C0270960, MONDO:0019952.
Koolen-de Vries syndrome (KDVS). Identifiers: Orphanet 96169, MedGen C1864871, MONDO:0012496, OMIM 610443.

Allele frequency attached by ClinVar (database versions not stated): ExAC 0.00001; gnomAD exomes 0.00003 and 0.00005; gnomAD 0.00005 and 0.00006; ESP Exome Variant Server 0.00008.
gnomAD v4.1: 47 of 1,613,986 alleles (0.0029%); highest among the groups gnomAD compares: Non-Finnish European, 0.00017%; no homozygotes.

Submissions (9):

Clinical Genetics Laboratory, Skane University Hospital Lund
Classification: Pathogenic for Koolen-de Vries syndrome. Last evaluated: 2026-06-22. Review status: criteria provided, single submitter. Criteria: ACMG Guidelines, 2015. Collection method: clinical testing. Allele origin: de novo. Affected: yes.
Comment: ACMG criteria used: PVS1, PS2_Moderate, PM6_Supporting, BS1

3billion
Classification: Pathogenic for Koolen-de Vries syndrome. Last evaluated: 2025-02-26. Review status: criteria provided, single submitter. Criteria: ACMG Guidelines, 2015. Collection method: clinical testing. Allele origin: germline. Affected: yes.
Comment: The variant is observed in the gnomAD v4.1.0 dataset (total allele frequency: 0.003%). Predicted Consequence/Location: Stop-gained (nonsense): predicted to result in a loss or disruption of normal protein function through nonsense-mediated decay (NMD) or protein truncation. Multiple pathogenic variants are reported downstream of the variant. The variant has been reported at least twice as pathogenic with clinical assertions and evidence for the classification (ClinVar ID: VCV000421289). Therefore, this variant is classified as Pathogenic according to the recommendation of ACMG/AMP guideline.

Daryl Scott Lab, Baylor College of Medicine
Classification: Pathogenic for Koolen-de Vries syndrome. Last evaluated: 2023-11-10. Review status: criteria provided, single submitter. Criteria: ACMG Guidelines, 2015. Collection method: clinical testing. Allele origin: de novo. Affected: yes. Observed: 1 mosaic individual.

CeGaT Center for Human Genetics Tuebingen
Classification: Likely pathogenic. Last evaluated: 2023-06-01. Review status: criteria provided, single submitter. Criteria: CeGaT Center For Human Genetics Tuebingen Variant Classification Criteria Version 2. Collection method: clinical testing. Allele origin: germline. Affected: yes. Observed: 1 variant allele.
Comment: KANSL1: PVS1, PS2, BS2

GeneDx
Classification: Pathogenic. Last evaluated: 2022-11-28. Review status: criteria provided, single submitter. Criteria: GeneDx Variant Classification Process June 2021. Collection method: clinical testing. Allele origin: germline. Affected: yes.
Comment: Identified in an individual from a developmental delay cohort in the published literature (Wang et al., 2020); Nonsense variant predicted to result in protein truncation or nonsense mediated decay in a gene for which loss of function is a known mechanism of disease; This variant is associated with the following publications: (PMID: 33004838)

Cambridge Genomics Laboratory, East Genomic Laboratory Hub, NHS Genomic Medicine Service
Classification: Pathogenic for Congenital myopathy. Last evaluated: 2020-03-05. Review status: criteria provided, single submitter. Criteria: ACGS Best Practice Guidelines for Variant Classification in Rare Disease 2020. Collection method: clinical testing. Allele origin: germline. Affected: yes. Observed: 1 variant allele.

Geisinger Autism and Developmental Medicine Institute, Geisinger Health System
Classification: Pathogenic for Koolen-de Vries syndrome. Last evaluated: 2018-03-19. Review status: criteria provided, single submitter. Criteria: ACMG Guidelines, 2015. Collection method: provider interpretation, clinical testing. Allele origin: unknown. Affected: yes. Observed: 1 variant allele.
Comment: Dysmorphic facial features include coarse facies, hypertelorism, epicanthal folds, broad nasal tip, and wide spaced teeth. The variant is present in the gnomAD Finnish population at 0.058% but is absent from all other populations with sufficient data. The presence of an inversion polymorphism at 17q21.31 which overlaps KANSL1 complicates the interpretation of this variant. However, there was very strong clinical correlation between this patient's clinical features and Koolen-DeVries syndrome. In addition, whole exome sequencing identified an additional VUS in a gene of uncertain significance.

Ambry Genetics
Classification: Likely pathogenic for Inborn genetic diseases. Last evaluated: 2017-11-17. Review status: criteria provided, single submitter. Criteria: Ambry exome assertion method (8-5-2015). Collection method: clinical testing. Allele origin: germline. Affected: yes. Observed: 1 variant allele.

Mendelics
Classification: Uncertain significance. Last evaluated: 2022-05-04. Review status: flagged submission. Criteria: Mendelics Assertion Criteria 2019. Collection method: clinical testing. Allele origin: germline. Not counted in ClinVar's aggregate classification.
ClinVar note: Notes: Conflict
ClinVar note: Reason: Outlier claim with insufficient supporting evidence

Literature cited by the submitters: PubMed 24056718 (cited by Ambry Genetics).